The following is an entry in ClinVar:

ClinVar aggregate classification (germline): Uncertain significance. Review status: criteria provided, multiple submitters, no conflicts (2 of 4 stars). 2 submissions from 2 submitters: Uncertain significance (2). Last evaluated 2025-03-06.

Submissions (2):

Labcorp Genetics (formerly Invitae), Labcorp
Classification: Uncertain significance. Last evaluated: 2025-03-06. Review status: criteria provided, single submitter. Criteria: Invitae Variant Classification Sherloc (09022015). Collection method: clinical testing. Allele origin: germline.
Comment: This sequence change replaces arginine, which is basic and polar, with phenylalanine, which is neutral and non-polar, at codon 1487 of the DCHS1 protein (p.Arg1487Phe). This variant is present in population databases (no rsID available, gnomAD 0.02%). This variant has not been reported in the literature in individuals affected with DCHS1-related conditions. ClinVar contains an entry for this variant (Variation ID: 1190560). An algorithm developed to predict the effect of missense changes on protein structure and function (PolyPhen-2) suggests that this variant is likely to be tolerated. In summary, the available evidence is currently insufficient to determine the role of this variant in disease. Therefore, it has been classified as a Variant of Uncertain Significance.

GeneDx
Classification: Uncertain significance. Last evaluated: 2019-06-25. Review status: criteria provided, single submitter. Criteria: GeneDx Variant Classification Process June 2021. Collection method: clinical testing. Allele origin: germline. Affected: yes.
Comment: Not observed in large population cohorts (Lek et al., 2016); In silico analysis, which includes protein predictors and evolutionary conservation, supports that this variant does not alter protein structure/function; Has not been previously published as pathogenic or benign to our knowledge

NM_003737.4(DCHS1):c.4459_4461delinsTTT (p.Arg1487Phe)

Gene: DCHS1 (dachsous cadherin-related 1; minus strand). Cytogenetic location: 11p15.4.
Variant type: Indel.
Coding change: c.4459_4461delinsTTT on transcript NM_003737.4 (MANE Select); coding-DNA positions 4459 to 4461, CGC replaced by TTT.
Protein change: p.Arg1487Phe; replaces arginine 1487 with phenylalanine.
Molecular consequence: missense variant.
Genome position (GRCh38, 1-based): chr11:6,630,333-6,630,335, GCG replaced by AAA on the plus strand (CGC replaced by TTT on the coding strand, the reverse complement: DCHS1 is on the minus strand). VCF-style: chr11-6630333-GCG-AAA. GRCh37 (hg19) VCF-style: chr11-6651564-GCG-AAA.
Other names: short protein forms R1487F.
Identifiers: ClinVar variation 1190560 (VCV001190560.5), dbSNP rs2134625806, ClinGen allele CA2499221188.